The following is an entry in ClinVar:

NM_005876.5(SPEG):c.6513C>A (p.Ser2171Arg)

Genes: ASIC4-AS1 (ASIC4 antisense RNA 1; minus strand), SPEG (striated muscle enriched protein kinase; plus strand). Cytogenetic location: 2q35.
Variant type: single nucleotide variant.
Coding change: c.6513C>A on transcript NM_005876.5 (MANE Select); coding-DNA position 6513, C replaced by A.
Protein change: p.Ser2171Arg; replaces serine 2171 with arginine.
Molecular consequence: missense variant.
Genome position (GRCh38, 1-based): chr2:219,483,976, C>A. VCF-style: chr2-219483976-C-A. GRCh37 (hg19) VCF-style: chr2-220348698-C-A.
Other names: short protein forms S2171R.
Identifiers: ClinVar variation 2118527 (VCV002118527.4), dbSNP rs754112127, ClinGen allele CA350698136.

ClinVar aggregate classification (germline): Uncertain significance (1 of 4 stars; one submission).

gnomAD v4.1: 1 of 1,610,234 alleles (0.000062%); highest among the groups gnomAD compares: Non-Finnish European, 0.000085%; no homozygotes.

Submission:

Labcorp Genetics (formerly Invitae), Labcorp
Classification: Uncertain significance. Last evaluated: 2022-04-06. Review status: criteria provided, single submitter. Criteria: Invitae Variant Classification Sherloc (09022015). Collection method: clinical testing. Allele origin: germline.
Comment: Algorithms developed to predict the effect of missense changes on protein structure and function are either unavailable or do not agree on the potential impact of this missense change (SIFT: "Deleterious"; PolyPhen-2: "Probably Damaging"; Align-GVGD: "Class C0"). In summary, the available evidence is currently insufficient to determine the role of this variant in disease. Therefore, it has been classified as a Variant of Uncertain Significance. This variant has not been reported in the literature in individuals affected with SPEG-related conditions. This variant is not present in population databases (gnomAD no frequency). This sequence change replaces serine, which is neutral and polar, with arginine, which is basic and polar, at codon 2171 of the SPEG protein (p.Ser2171Arg).